The following is an entry in ClinVar:

ClinVar aggregate classification (germline): Uncertain significance. Review status: criteria provided, multiple submitters, no conflicts (2 of 4 stars). 3 submissions from 3 submitters: Uncertain significance (3). Last evaluated 2025-07-22.

Conditions:
Genitopatellar syndrome (GTPTS). Also called: Genitopatellar syndrome (GPS); ABSENT PATELLAE, SCROTAL HYPOPLASIA, RENAL ANOMALIES, FACIAL DYSMORPHISM, AND MENTAL RETARDATION. Identifiers: Orphanet 85201, MedGen C1853566, MONDO:0011640, OMIM 606170.
Blepharophimosis - intellectual disability syndrome, SBBYS type (SBBYSS). Also called: Say-Barber-Biesecker variant of Ohdo syndrome (SBBYSS); Say-Barber-Biesecker-Young-Simpson variant of Ohdo Syndrome; Say-Barber-Biesecker Variant of Ohdo Syndrome; Young Simpson syndrome; Mental retardation unusual facies hypothyroidism; Ohdo syndrome, SBBYS variant. Identifiers: Orphanet 3047, MedGen C1863557, MONDO:0011365, OMIM 603736.

Allele frequency attached by ClinVar (database versions not stated): gnomAD exomes below 0.00001; ExAC 0.00001; TOPMed 0.00001.
gnomAD v4.1: 1 of 1,614,246 alleles (0.000062%); highest among the groups gnomAD compares: Non-Finnish European, 0.000085%; no homozygotes.

Submissions (3):

Labcorp Genetics (formerly Invitae), Labcorp
Classification: Uncertain significance for Genitopatellar syndrome. Last evaluated: 2025-07-22. Review status: criteria provided, single submitter. Criteria: Invitae Variant Classification Sherloc (09022015). Collection method: clinical testing. Allele origin: germline.
Comment: This sequence change replaces histidine, which is basic and polar, with tyrosine, which is neutral and polar, at codon 1830 of the KAT6B protein (p.His1830Tyr). This variant is present in population databases (rs752572188, gnomAD 0.0009%). This variant has not been reported in the literature in individuals affected with KAT6B-related conditions. ClinVar contains an entry for this variant (Variation ID: 618182). An algorithm developed to predict the effect of missense changes on protein structure and function (PolyPhen-2) suggests that this variant is likely to be disruptive. In summary, the available evidence is currently insufficient to determine the role of this variant in disease. Therefore, it has been classified as a Variant of Uncertain Significance.

Fulgent Genetics
Classification: Uncertain significance for Blepharophimosis - intellectual disability syndrome, SBBYS type; Genitopatellar syndrome. Last evaluated: 2024-05-30. Review status: criteria provided, single submitter. Criteria: ACMG Guidelines, 2015. Collection method: clinical testing. Allele origin: germline.

ARUP Laboratories, Molecular Genetics and Genomics, ARUP Laboratories
Classification: Uncertain significance. Last evaluated: 2018-04-16. Review status: criteria provided, single submitter. Criteria: ARUP Molecular Germline Variant Investigation Process. Collection method: clinical testing. Allele origin: germline.
Comment: The KAT6B c.5488C>T; p.His1830Tyr variant (rs752572188), to our knowledge, is not reported in the medical literature, gene specific variation databases, nor has it been previously identified by our laboratory. This variant is listed in the genome Aggregation Database (gnomAD) with an overall population frequency of 0.0004% (identified on 1 out of 246,064 chromosomes). The histidine at position 1830 is moderately conserved, considering 12 species, and computational analyses of the effects of the p.His1830Tyr variant on protein structure and function predict a deleterious effect (SIFT: damaging, PolyPhen-2: probably damaging). Based on the available information, the clinical significance of the p.His1830Tyr variant cannot be determined with certainty.

NM_012330.4(KAT6B):c.5488C>T (p.His1830Tyr)

Gene: KAT6B (lysine acetyltransferase 6B; plus strand). Cytogenetic location: 10q22.2.
Variant type: single nucleotide variant.
Coding change: c.5488C>T on transcript NM_012330.4 (MANE Select); coding-DNA position 5488, C replaced by T.
Protein change: p.His1830Tyr; replaces histidine 1830 with tyrosine.
Molecular consequence: missense variant.
Genome position (GRCh38, 1-based): chr10:75,030,312, C>T. VCF-style: chr10-75030312-C-T. GRCh37 (hg19) VCF-style: chr10-76790070-C-T.
Other names: c.4939C>T, p.His1647Tyr (NM_001256468.2, NM_001370138.1); c.4612C>T, p.His1538Tyr (NM_001256469.2, NM_001370139.1, NM_001370140.1 and 2 more transcripts); c.4450C>T, p.His1484Tyr (NM_001370132.1); c.3799C>T, p.His1267Tyr (NM_001370133.1); c.3403C>T, p.His1135Tyr (NM_001370134.1); c.3145C>T, p.His1049Tyr (NM_001370135.1); c.5488C>T, p.His1830Tyr (NM_001370136.1, NM_001370137.1); c.4423C>T, p.His1475Tyr (NM_001370143.1, NM_001370144.1); short protein forms H1830Y, H1538Y, H1049Y, H1267Y, H1484Y, H1647Y, H1135Y, H1475Y.
Identifiers: ClinVar variation 618182 (VCV000618182.12), dbSNP rs752572188, ClinGen allele CA5565209.
Genomic context (GRCh38, chr10:75,030,312, plus strand): 5'-CAGCCGTCAGCCACCTTCAGCCTTGCCAAACTGCAGCAGTTAACTAATACACTTATTGAT[C>T]ATTCATTGCCTTACAGCCATTCCGCTGCTGTGACTTCCTATGCAAACAGTGCCTCTTTGT-3'
Protein context (NP_036462.2, residues 1820-1840): LQQLTNTLID[His1830Tyr]SLPYSHSAAV